The following is an entry in ClinVar:

ClinVar aggregate classification (germline): Likely benign (1 of 4 stars; one submission).

Conditions:
DNMT3A-related disorder. Also called: DNMT3A-related disorders; DNMT3A-related condition.

Submission:

PreventionGenetics, part of Exact Sciences
Classification: Likely benign for DNMT3A-related condition. Last evaluated: 2026-09-15. Review status: criteria provided, single submitter. Criteria: ACMG Guidelines, 2015. Collection method: clinical testing. Allele origin: germline.
Comment: This variant is classified as likely benign based on ACMG/AMP sequence variant interpretation guidelines (Richards et al. 2015 PMID: 25741868, with internal and published modifications).

NM_022552.5(DNMT3A):c.132G>C (p.Thr44=)

Gene: DNMT3A (DNA methyltransferase 3 alpha; minus strand). Cytogenetic location: 2p23.3.
Variant type: single nucleotide variant.
Coding change: c.132G>C on transcript NM_022552.5 (MANE Select); coding-DNA position 132, G replaced by C.
Protein change: p.Thr44=; no amino-acid change (threonine 44 retained).
Molecular consequence: synonymous variant. On other transcripts: non-coding transcript variant (1).
Genome position (GRCh38, 1-based): chr2:25,300,184, C>G on the plus strand (G>C on the coding strand, the complement: DNMT3A is on the minus strand). VCF-style: chr2-25300184-C-G. GRCh37 (hg19) VCF-style: chr2-25523053-C-G.
Other names: c.132G>C, p.Thr44= (NM_001320892.2, NM_175629.2, NM_175630.1).
Identifiers: ClinVar variation 4994709 (VCV004994709.1).